The following is an entry in ClinVar:

ClinVar aggregate classification (germline): Uncertain significance (1 of 4 stars; one submission).

Conditions:
Catecholaminergic polymorphic ventricular tachycardia 1. Also called: VENTRICULAR TACHYCARDIA, STRESS-INDUCED POLYMORPHIC 1; VENTRICULAR TACHYCARDIA, CATECHOLAMINERGIC POLYMORPHIC, 1, WITH OR WITHOUT ATRIAL DYSFUNCTION AND/OR DILATED CARDIOMYOPATHY; RYR2-Related Catecholaminergic Polymorphic Ventricular Tachycardia. Identifiers: Orphanet 3286, MedGen C1631597, MONDO:0011484, OMIM 604772.

Submission:

Labcorp Genetics (formerly Invitae), Labcorp
Classification: Uncertain significance for Catecholaminergic polymorphic ventricular tachycardia 1. Last evaluated: 2022-12-30. Review status: criteria provided, single submitter. Criteria: Invitae Variant Classification Sherloc (09022015). Collection method: clinical testing. Allele origin: germline.
Comment: In summary, the available evidence is currently insufficient to determine the role of this variant in disease. Therefore, it has been classified as a Variant of Uncertain Significance. Variants that disrupt the consensus splice site are a relatively common cause of aberrant splicing (PMID: 17576681, 9536098). Algorithms developed to predict the effect of sequence changes on RNA splicing suggest that this variant is not likely to affect RNA splicing. This variant has not been reported in the literature in individuals affected with RYR2-related conditions. This variant is not present in population databases (gnomAD no frequency). This sequence change falls in intron 87 of the RYR2 gene. It does not directly change the encoded amino acid sequence of the RYR2 protein. It affects a nucleotide within the consensus splice site.

Literature cited by the submitters: PubMed 17576681; PubMed 9536098.

NM_001035.3(RYR2):c.11776-3C>T

Gene: RYR2 (ryanodine receptor 2; plus strand). Cytogenetic location: 1q43.
Variant type: single nucleotide variant.
Coding change: c.11776-3C>T on transcript NM_001035.3 (MANE Select); 3 bases into the intron before coding-DNA position 11776, C replaced by T.
Molecular consequence: intron variant.
Genome position (GRCh38, 1-based): chr1:237,778,663, C>T. VCF-style: chr1-237778663-C-T. GRCh37 (hg19) VCF-style: chr1-237941963-C-T.
Identifiers: ClinVar variation 2824919 (VCV002824919.3), dbSNP rs1694858178, ClinGen allele CA2651219277.